The following is an entry in ClinVar:

NM_000051.4(ATM):c.1354A>T (p.Thr452Ser)

Gene: ATM (ATM serine/threonine kinase; plus strand). Cytogenetic location: 11q22.3.
Variant type: single nucleotide variant.
Coding change: c.1354A>T on transcript NM_000051.4 (MANE Select); coding-DNA position 1354, A replaced by T.
Protein change: p.Thr452Ser; replaces threonine 452 with serine.
Molecular consequence: missense variant.
Genome position (GRCh38, 1-based): chr11:108,250,819, A>T. VCF-style: chr11-108250819-A-T. GRCh37 (hg19) VCF-style: chr11-108121546-A-T.
Other names: c.1354A>T, p.Thr452Ser (NM_001351834.2); short protein forms T452S.
Identifiers: ClinVar variation 639641 (VCV000639641.10), dbSNP rs1324524747, ClinGen allele CA382533784.

ClinVar aggregate classification (germline): Uncertain significance (1 of 4 stars; one submission).

Conditions:
Ataxia-telangiectasia syndrome (AT). Also called: Ataxia-telangiectasia, complementation group D; AT, COMPLEMENTATION GROUP C; Ataxia-telangiectasia; ATAXIA-TELANGIECTASIA, COMPLEMENTATION GROUP A; ATAXIA-TELANGIECTASIA, FRESNO VARIANT; LOUIS-BAR SYNDROME. Identifiers: Orphanet 100, MedGen C0004135, MONDO:0008840, OMIM 208900.

Submission:

Labcorp Genetics (formerly Invitae), Labcorp
Classification: Uncertain significance for Ataxia-telangiectasia syndrome. Last evaluated: 2019-01-15. Review status: criteria provided, single submitter. Criteria: Invitae Variant Classification Sherloc (09022015). Collection method: clinical testing. Allele origin: germline.
Comment: Algorithms developed to predict the effect of missense changes on protein structure and function (SIFT, PolyPhen-2, Align-GVGD) all suggest that this variant is likely to be tolerated, but these predictions have not been confirmed by published functional studies and their clinical significance is uncertain. This variant has not been reported in the literature in individuals with ATM-related conditions. This variant is not present in population databases (ExAC no frequency). This sequence change replaces threonine with serine at codon 452 of the ATM protein (p.Thr452Ser). The threonine residue is weakly conserved and there is a small physicochemical difference between threonine and serine. In summary, the available evidence is currently insufficient to determine the role of this variant in disease. Therefore, it has been classified as a Variant of Uncertain Significance.